The following is an entry in ClinVar:

ClinVar aggregate classification (germline): Uncertain significance. Review status: criteria provided, multiple submitters, no conflicts (2 of 4 stars). 4 submissions from 4 submitters: Uncertain significance (4). Last evaluated 2024-11-28.

Conditions:
Otofaciocervical syndrome 2 (OTFCS2). Also called: OTOFACIOCERVICAL SYNDROME 2, WITH T-CELL DEFICIENCY. Identifiers: MedGen C5442121, MONDO:0014254, OMIM 615560.

Allele frequency attached by ClinVar (database versions not stated): 1000 Genomes Project 30x 0.00016; gnomAD 0.00037 and 0.00038; ESP Exome Variant Server 0.00043.

Submissions (4):

Blueprint Genetics
Classification: Uncertain significance. Last evaluated: 2024-11-28. Review status: criteria provided, single submitter. Criteria: ACMG Guidelines, 2015. Collection method: clinical testing. Allele origin: germline.

Labcorp Genetics (formerly Invitae), Labcorp
Classification: Uncertain significance. Last evaluated: 2022-11-01. Review status: criteria provided, single submitter. Criteria: Invitae Variant Classification Sherloc (09022015). Collection method: clinical testing. Allele origin: germline.
Comment: This sequence change replaces proline, which is neutral and non-polar, with arginine, which is basic and polar, at codon 392 of the PAX1 protein (p.Pro392Arg). This variant is present in population databases (rs201542749, gnomAD 0.1%), and has an allele count higher than expected for a pathogenic variant. This variant has not been reported in the literature in individuals affected with PAX1-related conditions. ClinVar contains an entry for this variant (Variation ID: 1419768). Advanced modeling of protein sequence and biophysical properties (such as structural, functional, and spatial information, amino acid conservation, physicochemical variation, residue mobility, and thermodynamic stability) performed at Invitae indicates that this missense variant is not expected to disrupt PAX1 protein function. In summary, the available evidence is currently insufficient to determine the role of this variant in disease. Therefore, it has been classified as a Variant of Uncertain Significance.

Victorian Clinical Genetics Services, Murdoch Childrens Research Institute
Classification: Uncertain significance for Otofaciocervical syndrome 2. Last evaluated: 2020-10-19. Review status: criteria provided, single submitter. Criteria: ACMG Guidelines, 2015. Collection method: clinical testing. Allele origin: germline. Inheritance: Autosomal recessive inheritance. Affected: yes.
Comment: Based on the classification scheme VCGS_Germline_v1.1.1, this variant is classified as 3B-VUS. Following criteria are met: 0102 - Loss-of-function is a known mechanism of disease for this gene. (N) 0106 - This gene is known to be associated with autosomal recessive disease. (N) 0200 - Variant is predicted to result in a missense amino acid change from proline to arginine (exon 4). (N) 0251 - Variant is heterozygous. (N) 0304 - Variant is present in gnomAD <0.01 for a recessive condition (130 heterozygotes, 0 homozygotes). (P) 0309 - An alternative amino acid change at the same position has been observed in gnomAD (2 heterozygotes, 0 homozygotes). (N) 0502 - Missense variant with conflicting in silico predictions and/or uninformative conservation. (N) 0604 - Variant is not located in an established domain, motif, hotspot or informative constraint region. (N) 0705 - No comparable variants have previous evidence for pathogenicity. (N) 0804 - Variant has previously been described as a variant of uncertain significance (Decipher) (N) 0905 - No segregation evidence has been identified for this variant. (N) 1007 - No published functional evidence has been identified for this variant. (N) Legend: (P) - Pathogenic, (N) - Neutral, (B) - Benign

Breakthrough Genomics
Classification: Uncertain significance. Review status: criteria provided, single submitter. Criteria: ACMG Guidelines, 2015. Collection method: not provided. Allele origin: germline. Inheritance: Autosomal dominant inheritance. Affected: yes.

NM_001257096.2(PAX1):c.1175C>G (p.Pro392Arg)

Gene: PAX1 (paired box 1; plus strand). Cytogenetic location: 20p11.22.
Variant type: single nucleotide variant.
Coding change: c.1175C>G on transcript NM_001257096.2 (MANE Select); coding-DNA position 1175, C replaced by G.
Protein change: p.Pro392Arg; replaces proline 392 with arginine.
Molecular consequence: missense variant.
Genome position (GRCh38, 1-based): chr20:21,709,337, C>G. VCF-style: chr20-21709337-C-G. GRCh37 (hg19) VCF-style: chr20-21689975-C-G.
Other names: c.1175C>G, p.Pro392Arg (NM_006192.5); short protein forms P392R.
Identifiers: ClinVar variation 1419768 (VCV001419768.6), dbSNP rs201542749, ClinGen allele CA9786710.
Genomic context (GRCh38, chr20:21,709,337, plus strand): 5'-CCTCCAACCAGCACGGCGTGTACAGCGCCCCGGGCGGCGGCTACCTCGCCCCGGGCCCGC[C>G]GTGGCCGCCTGCGCAAGGTCCTCCTCTGGCGCCCCCCGGGGCCGGCGTAGCTGTGCATGG-3'
Protein context (NP_001244025.1, residues 382-402): PGGGYLAPGP[Pro392Arg]WPPAQGPPLA